The following is an entry in ClinVar:

NM_002528.7(NTHL1):c.347C>T (p.Pro116Leu)

Gene: NTHL1 (nth like DNA glycosylase 1; minus strand). Cytogenetic location: 16p13.3.
Variant type: single nucleotide variant.
Coding change: c.347C>T on transcript NM_002528.7 (MANE Select); coding-DNA position 347, C replaced by T.
Protein change: p.Pro116Leu; replaces proline 116 with leucine.
Molecular consequence: missense variant. On other transcripts: intron variant (1).
Genome position (GRCh38, 1-based): chr16:2,046,135, G>A on the plus strand (C>T on the coding strand, the complement: NTHL1 is on the minus strand). VCF-style: chr16-2046135-G-A. GRCh37 (hg19) VCF-style: chr16-2096136-G-A.
Other names: c.371C>T (NM_002528.5); c.347C>T, p.Pro116Leu (NM_001318193.2); c.24+145C>T (NM_001318194.2); short protein forms P116L.
Identifiers: ClinVar variation 1023269 (VCV001023269.7), dbSNP rs2084362155, ClinGen allele CA394295062.
Genomic context (GRCh38, chr16:2,046,135, plus strand): 5'-CAAGGACCTTGCTAAGATGGGGGGTCATCTGGGCAGATGGGGCCCCTGCCTACCTTTGGG[G>A]GGGCACTGGAGTCATAGCAGTGCTCAGTCCCCAGATGGTCCACAGGTGCATCCTTTTTGT-3'
Protein context (NP_002519.2, residues 106-126): GTEHCYDSSA[Pro116Leu]PKVRRYQVLL

ClinVar aggregate classification (germline): Uncertain significance. Review status: criteria provided, multiple submitters, no conflicts (2 of 4 stars). 2 submissions from 2 submitters: Uncertain significance (2). Last evaluated 2026-03-13.

Conditions:
Hereditary cancer-predisposing syndrome. Also called: Hereditary Cancer Syndrome; Neoplastic Syndromes, Hereditary; Tumor predisposition; Hereditary neoplastic syndrome. Identifiers: Orphanet 140162, MedGen C0027672, MeSH D009386, MONDO:0015356.

Submissions (2):

Ambry Genetics
Classification: Uncertain significance for Hereditary cancer-predisposing syndrome. Last evaluated: 2026-03-13. Review status: criteria provided, single submitter. Criteria: Ambry Variant Classification Scheme 2023. Collection method: clinical testing. Allele origin: germline.
Comment: The p.P124L variant (also known as c.371C>T), located in coding exon 2 of the NTHL1 gene, results from a C to T substitution at nucleotide position 371. The proline at codon 124 is replaced by leucine, an amino acid with similar properties. This amino acid position is conserved. In addition, this alteration is predicted to be tolerated by in silico analysis. Based on the available evidence, the clinical significance of this variant remains unclear.

Labcorp Genetics (formerly Invitae), Labcorp
Classification: Uncertain significance. Last evaluated: 2024-07-06. Review status: criteria provided, single submitter. Criteria: Invitae Variant Classification Sherloc (09022015). Collection method: clinical testing. Allele origin: germline.
Comment: This sequence change replaces proline, which is neutral and non-polar, with leucine, which is neutral and non-polar, at codon 124 of the NTHL1 protein (p.Pro124Leu). This variant is not present in population databases (gnomAD no frequency). This variant has not been reported in the literature in individuals affected with NTHL1-related conditions. ClinVar contains an entry for this variant (Variation ID: 1023269). An algorithm developed to predict the effect of missense changes on protein structure and function (PolyPhen-2) suggests that this variant is likely to be tolerated. In summary, the available evidence is currently insufficient to determine the role of this variant in disease. Therefore, it has been classified as a Variant of Uncertain Significance.